The following is an entry in ClinVar:

ClinVar aggregate classification (germline): Pathogenic. Review status: criteria provided, multiple submitters, no conflicts (2 of 4 stars). 2 submissions from 2 submitters: Pathogenic (2). Last evaluated 2023-07-17.

Conditions:
Zellweger spectrum disorders (ZS). Also called: Zellweger Spectrum Disorder (ZSD); Zellweger syndrome; Zellweger Spectrum Disorder; Zellweger Spectrum. Identifiers: Orphanet 912, MedGen C0043459, MONDO:0019609.
Heimler syndrome 1 (HMLR1). Also called: PEROXISOME BIOGENESIS DISORDER 1C. Identifiers: Orphanet 3220, MedGen C4551980, OMIM 234580, MONDO:0024544.

gnomAD v4.1: 2 of 1,613,452 alleles (0.00012%); highest among the groups gnomAD compares: Non-Finnish European, 0.00017%; no homozygotes.

Submissions (2):

Labcorp Genetics (formerly Invitae), Labcorp
Classification: Pathogenic for Zellweger spectrum disorders. Last evaluated: 2023-07-17. Review status: criteria provided, single submitter. Criteria: Invitae Variant Classification Sherloc (09022015). Collection method: clinical testing. Allele origin: germline.
Comment: For these reasons, this variant has been classified as Pathogenic. ClinVar contains an entry for this variant (Variation ID: 1070573). This premature translational stop signal has been observed in individual(s) with Zellweger syndrome (PMID: 31628608). This variant is present in population databases (no rsID available, gnomAD 0.0009%). This sequence change creates a premature translational stop signal (p.Cys1150*) in the PEX1 gene. It is expected to result in an absent or disrupted protein product. Loss-of-function variants in PEX1 are known to be pathogenic (PMID: 9398847, 16086329, 16141001, 21031596, 26387595, 31831025).

Baylor Genetics
Classification: Pathogenic for Heimler syndrome 1. Last evaluated: 2023-02-13. Review status: criteria provided, single submitter. Criteria: ACMG Guidelines, 2015. Collection method: clinical testing. Allele origin: unknown.

Literature cited by the submitters: PubMed 31628608 (cited by Labcorp Genetics (formerly Invitae), Labcorp); PubMed 9398847 (cited by Labcorp Genetics (formerly Invitae), Labcorp); PubMed 16086329 (cited by Labcorp Genetics (formerly Invitae), Labcorp); PubMed 16141001 (cited by Labcorp Genetics (formerly Invitae), Labcorp); PubMed 21031596 (cited by Labcorp Genetics (formerly Invitae), Labcorp); PubMed 26387595 (cited by Labcorp Genetics (formerly Invitae), Labcorp); PubMed 31831025 (cited by Labcorp Genetics (formerly Invitae), Labcorp).

NM_000466.3(PEX1):c.3450T>A (p.Cys1150Ter)

Genes: PEX1 (peroxisomal biogenesis factor 1; minus strand), GATAD1 (GATA zinc finger domain containing 1; plus strand). Cytogenetic location: 7q21.2.
Variant type: single nucleotide variant.
Coding change: c.3450T>A on transcript NM_000466.3 (MANE Select); coding-DNA position 3450, T replaced by A.
Protein change: p.Cys1150Ter; replaces cysteine 1150 with a stop codon.
Molecular consequence: nonsense.
Genome position (GRCh38, 1-based): chr7:92,489,900, A>T on the plus strand (T>A on the coding strand, the complement: PEX1 is on the minus strand). VCF-style: chr7-92489900-A-T. GRCh37 (hg19) VCF-style: chr7-92119214-A-T.
Other names: c.3279T>A, p.Cys1093Ter (NM_001282677.2); c.2826T>A, p.Cys942Ter (NM_001282678.2); short protein forms C1093*, C1150*, C942*.
Identifiers: ClinVar variation 1070573 (VCV001070573.10), dbSNP rs1459743428, ClinGen allele CA368162260.
Genomic context (GRCh38, chr7:92,489,900, plus strand): 5'-CAACTGGTCTTTCCCAGGAACTCCAGGCAAATCCTGAGTCATGGAGCTTGGTGCAGAGAG[A>T]CATTGTGAGCTCTGCATGGTAAATTGTAGTAATGAAAGATGGAAGGAAGAGGGGGAGAGA-3'